The following is an entry in ClinVar:

NM_000433.4(NCF2):c.172A>T (p.Lys58Ter)

Gene: NCF2 (neutrophil cytosolic factor 2; minus strand). Cytogenetic location: 1q25.3.
Variant type: single nucleotide variant.
Coding change: c.172A>T on transcript NM_000433.4 (MANE Select); coding-DNA position 172, A replaced by T.
Protein change: p.Lys58Ter; replaces lysine 58 with a stop codon.
Molecular consequence: nonsense.
Genome position (GRCh38, 1-based): chr1:183,590,158, T>A on the plus strand (A>T on the coding strand, the complement: NCF2 is on the minus strand). VCF-style: chr1-183590158-T-A. GRCh37 (hg19) VCF-style: chr1-183559293-T-A.
Other names: c.172A>T, p.Lys58Ter (NM_001127651.3, NM_001190789.2, NM_001190794.2 and 1 more transcripts); short protein forms K58*.
Identifiers: ClinVar variation 2786568 (VCV002786568.4), dbSNP rs898012170, ClinGen allele CA33992939.

ClinVar aggregate classification (germline): Pathogenic (1 of 4 stars; one submission).

Conditions:
Granulomatous disease, chronic, autosomal recessive, cytochrome b-positive, type 2. Also called: CGD, AUTOSOMAL RECESSIVE CYTOCHROME b-POSITIVE, TYPE II; GRANULOMATOUS DISEASE, CHRONIC, DUE TO NCF2 DEFICIENCY; Chronic granulomatous disease due to deficiency of NCF-2; GRANULOMATOUS DISEASE, CHRONIC, AUTOSOMAL RECESSIVE, 2; Chronic Granulomatous Disease, Autosomal Recessive, Cytochrome b-Positive, Type II. Identifiers: Orphanet 379, MedGen C1856245, MONDO:0009310, OMIM 233710.

Allele frequency attached by ClinVar (database versions not stated): gnomAD exomes below 0.00001; gnomAD 0.00001; TOPMed 0.00001.
gnomAD v4.1: 6 of 1,614,014 alleles (0.00037%); highest among the groups gnomAD compares: Non-Finnish European, 0.00051%; no homozygotes.

Submission:

Labcorp Genetics (formerly Invitae), Labcorp
Classification: Pathogenic for Granulomatous disease, chronic, autosomal recessive, cytochrome b-positive, type 2. Last evaluated: 2023-11-17. Review status: criteria provided, single submitter. Criteria: Invitae Variant Classification Sherloc (09022015). Collection method: clinical testing. Allele origin: germline.
Comment: This sequence change creates a premature translational stop signal (p.Lys58*) in the NCF2 gene. It is expected to result in an absent or disrupted protein product. Loss-of-function variants in NCF2 are known to be pathogenic (PMID: 10498624, 20167518). This variant is present in population databases (no rsID available, gnomAD 0.0009%). This variant has not been reported in the literature in individuals affected with NCF2-related conditions. For these reasons, this variant has been classified as Pathogenic.

Literature cited by the submitters: PubMed 10498624; PubMed 20167518.